The following is an entry in ClinVar:

ClinVar aggregate classification (germline): Uncertain significance (1 of 4 stars; one submission).

Conditions:
Muscular dystrophy-dystroglycanopathy (congenital with brain and eye anomalies), type A2. Also called: MUSCULAR DYSTROPHY-DYSTROGLYCANOPATHY (CONGENITAL WITH BRAIN AND EYE ANOMALIES), TYPE A, 2; WALKER-WARBURG SYNDROME OR MUSCLE-EYE-BRAIN DISEASE, POMT2-RELATED. Identifiers: Orphanet 588, Orphanet 899, MedGen C3150411, MONDO:0013154, OMIM 613150.
Muscular dystrophy-dystroglycanopathy (congenital with impaired intellectual development), type B, 2. Also called: Muscular dystrophy-dystroglycanopathy (congenital with intellectual disability), type B2; MUSCULAR DYSTROPHY, CONGENITAL, POMT2-RELATED. Identifiers: MedGen C3150416, MONDO:0013160, OMIM 613156.
Autosomal recessive limb-girdle muscular dystrophy type 2N. Also called: Muscular dystrophy-dystroglycanopathy (limb-girdle), type C, 2; MUSCULAR DYSTROPHY-DYSTROGLYCANOPATHY, LIMB-GIRDLE, POMT2-RELATED. Identifiers: Orphanet 206559, MedGen C3150418, MONDO:0013162, OMIM 613158.

Submission:

Labcorp Genetics (formerly Invitae), Labcorp
Classification: Uncertain significance for Muscular dystrophy-dystroglycanopathy (congenital with impaired intellectual development), type B, 2; Muscular dystrophy-dystroglycanopathy (congenital with brain and eye anomalies), type A2; Autosomal recessive limb-girdle muscular dystrophy type 2N. Last evaluated: 2022-07-19. Review status: criteria provided, single submitter. Criteria: Invitae Variant Classification Sherloc (09022015). Collection method: clinical testing. Allele origin: germline.
Comment: Algorithms developed to predict the effect of missense changes on protein structure and function (SIFT, PolyPhen-2, Align-GVGD) all suggest that this variant is likely to be disruptive. In summary, the available evidence is currently insufficient to determine the role of this variant in disease. Therefore, it has been classified as a Variant of Uncertain Significance. ClinVar contains an entry for this variant (Variation ID: 940462). This variant has not been reported in the literature in individuals affected with POMT2-related conditions. This variant is not present in population databases (gnomAD no frequency). This sequence change replaces leucine, which is neutral and non-polar, with proline, which is neutral and non-polar, at codon 174 of the POMT2 protein (p.Leu174Pro).

NM_013382.7(POMT2):c.521T>C (p.Leu174Pro)

Gene: POMT2 (protein O-mannosyltransferase 2; minus strand). Cytogenetic location: 14q24.3.
Variant type: single nucleotide variant.
Coding change: c.521T>C on transcript NM_013382.7 (MANE Select); coding-DNA position 521, T replaced by C.
Protein change: p.Leu174Pro; replaces leucine 174 with proline.
Molecular consequence: missense variant.
Genome position (GRCh38, 1-based): chr14:77,304,718, A>G on the plus strand (T>C on the coding strand, the complement: POMT2 is on the minus strand). VCF-style: chr14-77304718-A-G. GRCh37 (hg19) VCF-style: chr14-77771061-A-G.
Other names: short protein forms L174P.
Identifiers: ClinVar variation 940462 (VCV000940462.10), dbSNP rs1891164358, ClinGen allele CA390520721.